The following is an entry in ClinVar:

ClinVar aggregate classification (germline): Uncertain significance (1 of 4 stars; one submission).

Allele frequency attached by ClinVar (database versions not stated): gnomAD exomes 0.00001; ExAC 0.00002; 1000 Genomes Project 0.00020; 1000 Genomes Project 30x 0.00031.

Submission:

Labcorp Genetics (formerly Invitae), Labcorp
Classification: Uncertain significance. Last evaluated: 2023-01-01. Review status: criteria provided, single submitter. Criteria: Invitae Variant Classification Sherloc (09022015). Collection method: clinical testing. Allele origin: germline.
Comment: This sequence change replaces arginine, which is basic and polar, with tryptophan, which is neutral and slightly polar, at codon 229 of the KLHL9 protein (p.Arg229Trp). In summary, the available evidence is currently insufficient to determine the role of this variant in disease. Therefore, it has been classified as a Variant of Uncertain Significance. Advanced modeling of protein sequence and biophysical properties (such as structural, functional, and spatial information, amino acid conservation, physicochemical variation, residue mobility, and thermodynamic stability) has been performed at Invitae for this missense variant, however the output from this modeling did not meet the statistical confidence thresholds required to predict the impact of this variant on KLHL9 protein function. This variant has not been reported in the literature in individuals affected with KLHL9-related conditions. This variant is present in population databases (rs536145296, gnomAD 0.006%).

NM_018847.4(KLHL9):c.685C>T (p.Arg229Trp)

Gene: KLHL9 (kelch like family member 9; minus strand). Cytogenetic location: 9p21.3.
Variant type: single nucleotide variant.
Coding change: c.685C>T on transcript NM_018847.4 (MANE Select); coding-DNA position 685, C replaced by T.
Protein change: p.Arg229Trp; replaces arginine 229 with tryptophan.
Molecular consequence: missense variant.
Genome position (GRCh38, 1-based): chr9:21,334,175, G>A on the plus strand (C>T on the coding strand, the complement: KLHL9 is on the minus strand). VCF-style: chr9-21334175-G-A. GRCh37 (hg19) VCF-style: chr9-21334174-G-A.
Other names: short protein forms R229W.
Identifiers: ClinVar variation 2964041 (VCV002964041.3), dbSNP rs536145296, ClinGen allele CA5010618.